The following is an entry in ClinVar:

NM_015559.3(SETBP1):c.1170C>T (p.Ala390=)

Gene: SETBP1 (SET binding protein 1; plus strand). Cytogenetic location: 18q12.3.
Variant type: single nucleotide variant.
Coding change: c.1170C>T on transcript NM_015559.3 (MANE Select); coding-DNA position 1170, C replaced by T.
Protein change: p.Ala390=; no amino-acid change (alanine 390 retained).
Molecular consequence: synonymous variant.
Genome position (GRCh38, 1-based): chr18:44,950,510, C>T. VCF-style: chr18-44950510-C-T. GRCh37 (hg19) VCF-style: chr18-42530475-C-T.
Other names: c.1170C>T, p.Ala390= (LRG_1150t1).
Identifiers: ClinVar variation 159867 (VCV000159867.22), dbSNP rs8091231, ClinGen allele CA173382.

ClinVar aggregate classification (germline): Benign. Review status: criteria provided, multiple submitters, no conflicts (2 of 4 stars). 7 submissions from 7 submitters: Benign (6). 1 of the submissions does not count toward it. Last evaluated 2026-01-28.

Conditions:
SETBP1-related disorder. Also called: SETBP1-related condition; SETBP1-related disorders.
Schinzel-Giedion syndrome (SGS). Identifiers: Orphanet 798, MedGen C0265227, MONDO:0010010, OMIM 269150.

Allele frequency attached by ClinVar (database versions not stated): gnomAD exomes 0.00042 and 0.00106; ExAC 0.00136; 1000 Genomes Project 30x 0.00265; 1000 Genomes Project 0.00280; gnomAD 0.00438 and 0.00482; TOPMed 0.00496; ESP Exome Variant Server 0.00684.
gnomAD v4.1: 1,291 of 1,614,062 alleles (0.08%); highest among the groups gnomAD compares: African/African-American, 1.6%; 13 homozygotes.

Submissions (7):

Labcorp Genetics (formerly Invitae), Labcorp
Classification: Benign. Last evaluated: 2026-01-28. Review status: criteria provided, single submitter. Criteria: Invitae Variant Classification Sherloc (09022015). Collection method: clinical testing. Allele origin: germline.

ARUP Laboratories, Molecular Genetics and Genomics, ARUP Laboratories
Classification: Benign. Last evaluated: 2024-10-11. Review status: criteria provided, single submitter. Criteria: ARUP Molecular Germline Variant Investigation Process 2024. Collection method: clinical testing. Allele origin: germline.

KCCC/NGS Laboratory, Kuwait Cancer Control Center
Classification: Benign for Schinzel-Giedion syndrome. Last evaluated: 2023-07-07. Review status: criteria provided, single submitter. Criteria: ACMG Guidelines, 2015. Collection method: clinical testing. Allele origin: germline. Affected: yes.

GeneDx
Classification: Benign. Last evaluated: 2020-02-28. Review status: criteria provided, single submitter. Criteria: GeneDx Variant Classification Process June 2021. Collection method: clinical testing. Allele origin: germline. Affected: yes.

Genetic Services Laboratory, University of Chicago
Classification: Benign. Last evaluated: 2015-02-05. Review status: criteria provided, single submitter. Criteria: ACMG Guidelines, 2015. Collection method: clinical testing. Allele origin: germline.

Breakthrough Genomics
Classification: Benign. Review status: criteria provided, single submitter. Criteria: ACMG Guidelines, 2015. Collection method: not provided. Allele origin: germline. Inheritance: Autosomal dominant inheritance. Affected: yes.

PreventionGenetics, part of Exact Sciences
Classification: Benign for SETBP1-related condition. Last evaluated: 2019-11-01. Review status: no assertion criteria provided. Collection method: clinical testing. Allele origin: germline. Not counted in ClinVar's aggregate classification.
Comment: This variant is classified as benign based on ACMG/AMP sequence variant interpretation guidelines (Richards et al. 2015 PMID: 25741868, with internal and published modifications).